The following is an entry in ClinVar:

NM_000157.4(GBA1):c.653G>A (p.Trp218Ter)

Genes: GBA1 (glucosylceramidase beta 1; minus strand), LOC106627981 (GBA recombination region; plus strand). Cytogenetic location: 1q22.
Variant type: single nucleotide variant.
Coding change: c.653G>A on transcript NM_000157.4 (MANE Select); coding-DNA position 653, G replaced by A.
Protein change: p.Trp218Ter; replaces tryptophan 218 with a stop codon.
Molecular consequence: nonsense.
Genome position (GRCh38, 1-based): chr1:155,238,242, C>T on the plus strand (G>A on the coding strand, the complement: GBA1 is on the minus strand). VCF-style: chr1-155238242-C-T. GRCh37 (hg19) VCF-style: chr1-155208033-C-T.
Other names: p.Trp218Ter; c.653G>A, p.Trp218Ter (NM_001005741.3, NM_001005742.3); c.392G>A, p.Trp131Ter (NM_001171811.2); c.506G>A, p.Trp169Ter (NM_001171812.2); short protein forms W218*, W169*, W131*.
Identifiers: ClinVar variation 632834 (VCV000632834.19), dbSNP rs867929413, ClinGen allele CA30895567.

ClinVar aggregate classification (germline): Pathogenic. Review status: criteria provided, multiple submitters, no conflicts (2 of 4 stars). 5 submissions from 5 submitters: Pathogenic (4). 1 of the submissions does not count toward it. Last evaluated 2025-01-13.

Conditions:
Abnormal bleeding. Also called: Bleeding diathesis. Identifiers: MedGen C1458140, HP:0001892.
Thrombocytopenia. Identifiers: MedGen C0040034, MeSH D013921, MONDO:0002049, HP:0001873.
Gaucher disease. Also called: Acute cerebral Gaucher disease; Cerebroside lipidosis syndrome; Gaucher splenomegaly; Sphingolipidosis 1; Glucocerebrosidosis; Glucosylceramidase deficiency. Identifiers: Orphanet 355, MedGen C0017205, MONDO:0018150.
Parkinson disease, late-onset (PD). Also called: Susceptibility to Parkinson's Disease; PARKINSON DISEASE, LATE-ONSET, SUSCEPTIBILITY TO; Hereditary late onset Parkinson disease. Identifiers: Orphanet 411602, MedGen C3160718, MONDO:0008199, OMIM 168600.
Gaucher disease type I (GD1). Also called: GD 1; GAUCHER DISEASE, NONCEREBRAL JUVENILE; GBA DEFICIENCY; GD I; GLUCOCEREBROSIDASE DEFICIENCY; Gaucher's disease, type 1. Identifiers: Orphanet 355, Orphanet 77259, MedGen C1961835, MONDO:0009265, OMIM 230800.

Allele frequency attached by ClinVar (database versions not stated): gnomAD exomes below 0.00001.
gnomAD v4.1: 4 of 1,613,234 alleles (0.00025%); highest among the groups gnomAD compares: South Asian, 0.0044%; no homozygotes.

Submissions (5):

Natera, Inc.
Classification: Pathogenic for Gaucher disease. Last evaluated: 2025-01-13. Review status: criteria provided, single submitter. Criteria: Natera Variant Classification Schema (03/2026). Collection method: clinical testing. Allele origin: germline.
Comment: The c.653G>A variant in GBA1 is a nonsense variant predicted to introduce a stop codon at amino acid 218. This variant is expected to result in nonsense mediated decay, truncation, or a dysfunctional protein product. This variant is rare in the general population with a frequency below the threshold expected for the associated phenotype(s). This variant has been observed in one or more individuals affected with the associated recessive disease, as either homozygous or compound heterozygous with a second variant (PMID: 9153297). Given the available evidence, this variant is classified as Pathogenic.

Foundation for Research in Genetics and Endocrinology, FRIGE's Institute of Human Genetics
Classification: Pathogenic for Gaucher disease type I. Last evaluated: 2022-12-24. Review status: criteria provided, single submitter. Criteria: ACMG Guidelines, 2015. Collection method: clinical testing. Allele origin: germline. Inheritance: Autosomal recessive inheritance. Affected: yes. Observed: 1 compound heterozygote.
Comment: A heterozygous missense variation in exon 6 of GBA gene that results in amino acid termination at codon 218 was detected. The observed variant c.653G>A (p.Trp218Ter) has not been reported in the 1000 genomes databases. The in-silico predictions for the variant is disease causing by SIFT, PolyPhen2 and Mutation Taster. In summary, the variant is pathogenic.

Fulgent Genetics
Classification: Pathogenic for Parkinson disease, late-onset. Last evaluated: 2021-05-03. Review status: criteria provided, single submitter. Criteria: ACMG Guidelines, 2015. Collection method: clinical testing. Allele origin: germline. Affected: yes.

Women's Health and Genetics/Laboratory Corporation of America, LabCorp
Classification: Pathogenic for Gaucher disease. Last evaluated: 2018-06-11. Review status: criteria provided, single submitter. Criteria: LabCorp Variant Classification Summary - May 2015. Collection method: clinical testing. Allele origin: germline.
Comment: Variant summary: GBA c.653G>A (p.Trp218X) results in a premature termination codon, predicted to cause a truncation of the encoded protein or absence of the protein due to nonsense mediated decay, which are commonly known mechanisms for disease. The variant was absent in 245406 control chromosomes (in gnomAD). c.653G>A has been reported in the literature in individuals affected with Gaucher Disease (Grace 1997, Siebert 2012). These data indicate that the variant may be associated with disease. At least one publication reports experimental evidence evaluating an impact on protein function (Grace 1997). The most pronounced variant effect results in <10% of normal activity. No clinical diagnostic laboratories have submitted clinical-significance assessments for this variant to ClinVar after 2014. Based on the evidence outlined above, the variant was classified as pathogenic.

Birmingham Platelet Group; University of Birmingham
Classification: Pathogenic for Thrombocytopenia; Abnormal bleeding. Last evaluated: 2020-05-01. Review status: no assertion criteria provided. Collection method: research. Allele origin: germline. Affected: yes. Not counted in ClinVar's aggregate classification.

Literature cited by the submitters: PubMed 9153297 (cited by Natera, Inc. and Women's Health and Genetics/Laboratory Corporation of America, LabCorp); PubMed 23430543 (cited by Women's Health and Genetics/Laboratory Corporation of America, LabCorp).